The following is an entry in ClinVar:

NM_002055.5(GFAP):c.68G>C (p.Gly23Ala)

Gene: GFAP (glial fibrillary acidic protein; minus strand). Cytogenetic location: 17q21.31.
Variant type: single nucleotide variant.
Coding change: c.68G>C on transcript NM_002055.5 (MANE Select); coding-DNA position 68, G replaced by C.
Protein change: p.Gly23Ala; replaces glycine 23 with alanine.
Molecular consequence: missense variant.
Genome position (GRCh38, 1-based): chr17:44,915,419, C>G on the plus strand (G>C on the coding strand, the complement: GFAP is on the minus strand). VCF-style: chr17-44915419-C-G. GRCh37 (hg19) VCF-style: chr17-42992787-C-G.
Other names: NM_002055.5(GFAP):c.68G>C; p.Gly23Ala; c.68G>C, p.Gly23Ala (NM_001131019.3, NM_001242376.3, NM_001363846.2); short protein forms G23A.
Identifiers: ClinVar variation 1946941 (VCV001946941.6), dbSNP rs1469741542, ClinGen allele CA399849146.

ClinVar aggregate classification (germline): Likely benign. Review status: reviewed by expert panel (3 of 4 stars). 2 submissions from 2 submitters: Likely benign (1). 1 of the submissions does not count toward it. Last evaluated 2026-10-05.

Conditions:
Alexander disease (ALXDRD). Also called: Alexander's disease. Identifiers: Orphanet 58, MedGen C0270726, MONDO:0008752, OMIM 203450.

gnomAD v4.1: 22 of 1,608,166 alleles (0.0014%); highest among the groups gnomAD compares: Non-Finnish European, 0.0018%; no homozygotes.

Submissions (2):

ClinGen Leukodystrophy and Leukoencephalopathy Variant Curation Expert Panel, ClinGen
Classification: Likely benign for Alexander disease. Last evaluated: 2026-10-05. Review status: reviewed by expert panel. Criteria: ClinGen Leuko ACMG Specifications GFAP V1.0. Collection method: curation. Allele origin: germline. Inheritance: Autosomal dominant inheritance.
Comment: The NM_002055.5(GFAP):c.68G>C, p.Gly23Ala variant in GFAP is a missense variant, predicted to result in a sequence change where glycine is replaced with alanine at amino acid position 23. The GrpMax filtering allele frequency in gnomAD v4.1.1 is 0.00001146, which is higher than the ClinGen Leukodystrophy and Leukoencephalopathy VCEP threshold (>0.00001) for BS1, and therefore meets this criteria (BS1). In summary, this variant meets the criteria to be classified as Likely Benign for Alexander disease based on the ACMG/AMP criteria applied, as specified by the ClinGen Leukodystrophy and Leukoencephalopathy VCEP: BS1. (ClinGen Leukodystrophy and Leukoencephalopathy VCEP Specifications Version Version 1.0.0)

Labcorp Genetics (formerly Invitae), Labcorp
Classification: Uncertain significance. Last evaluated: 2025-02-13. Review status: criteria provided, single submitter. Criteria: Invitae Variant Classification Sherloc (09022015). Collection method: clinical testing. Allele origin: germline. Not counted in ClinVar's aggregate classification.
Comment: This sequence change replaces glycine, which is neutral and non-polar, with alanine, which is neutral and non-polar, at codon 23 of the GFAP protein (p.Gly23Ala). This variant is present in population databases (no rsID available, gnomAD 0.0009%). This variant has not been reported in the literature in individuals affected with GFAP-related conditions. ClinVar contains an entry for this variant (Variation ID: 1946941). Invitae Evidence Modeling of protein sequence and biophysical properties (such as structural, functional, and spatial information, amino acid conservation, physicochemical variation, residue mobility, and thermodynamic stability) indicates that this missense variant is not expected to disrupt GFAP protein function with a negative predictive value of 95%. In summary, the available evidence is currently insufficient to determine the role of this variant in disease. Therefore, it has been classified as a Variant of Uncertain Significance.